The following is an entry in ClinVar:

NM_005883.3(APC2):c.4762G>A (p.Glu1588Lys)

Gene: APC2 (APC regulator of WNT signaling pathway 2; plus strand). Cytogenetic location: 19p13.3.
Variant type: single nucleotide variant.
Coding change: c.4762G>A on transcript NM_005883.3 (MANE Select); coding-DNA position 4762, G replaced by A.
Protein change: p.Glu1588Lys; replaces glutamic acid 1588 with lysine.
Molecular consequence: missense variant.
Genome position (GRCh38, 1-based): chr19:1,468,063, G>A. VCF-style: chr19-1468063-G-A. GRCh37 (hg19) VCF-style: chr19-1468062-G-A.
Other names: c.4759G>A, p.Glu1587Lys (NM_001351273.1); short protein forms E1587K, E1588K.
Identifiers: ClinVar variation 1302537 (VCV001302537.2), dbSNP rs375490852, ClinGen allele CA9045911.

ClinVar aggregate classification (germline): Uncertain significance (1 of 4 stars; one submission).

Allele frequency attached by ClinVar (database versions not stated): gnomAD exomes 0.00001 and 0.00004; ExAC 0.00002; ESP Exome Variant Server 0.00009.
gnomAD v4.1: 57 of 1,568,612 alleles (0.0036%); highest among the groups gnomAD compares: Non-Finnish European, 0.0045%; no homozygotes.

Submission:

GeneDx
Classification: Uncertain significance. Last evaluated: 2019-05-13. Review status: criteria provided, single submitter. Criteria: GeneDx Variant Classification Process June 2021. Collection method: clinical testing. Allele origin: germline. Affected: yes.
Comment: In silico analysis, which includes protein predictors and evolutionary conservation, supports that this variant does not alter protein structure/function; Has not been previously published as pathogenic or benign to our knowledge; Variants in candidate genes are classified as variants of uncertain significance in accordance with ACMG guidelines (Richards et al., 2015)